The following is an entry in ClinVar:

ClinVar aggregate classification (germline): Pathogenic (1 of 4 stars; one submission).

Conditions:
ERCC2-related disorder. Also called: ERCC2-related conditions; ERCC2-related condition; ERCC2-related disorders. Identifiers: MedGen CN239291.

Submission:

Myriad Genetics, Inc.
Classification: Pathogenic for ERCC2-related disorder. Last evaluated: 2024-11-11. Review status: criteria provided, single submitter. Criteria: Myriad Autosomal Dominant, Autosomal Recessive and X-Linked Classification Criteria (2023). Collection method: clinical testing. Allele origin: unknown.
Comment: NM_000400.3(ERCC2):c.1037_1038dupTG(Q347Cfs*13) is expected to be pathogenic in the context of ERCC2-related disorders. This variant is predicted to lead to an abnormal or absent protein product due to the creation of a premature termination codon in ERCC2, a gene where loss-of-function variants are known to be pathogenic. Please note: this variant was assessed in the context of healthy population screening.

NM_000400.4(ERCC2):c.1037_1038dup (p.Gln347fs)

Gene: ERCC2 (ERCC excision repair 2, TFIIH core complex helicase subunit; minus strand). Cytogenetic location: 19q13.32.
Variant type: Microsatellite.
Coding change: c.1037_1038dup on transcript NM_000400.4 (MANE Select); coding-DNA positions 1037 to 1038, 2 bases duplicated (TG; older notation c.1037_1038dupTG).
Protein change: p.Gln347fs; shifts the reading frame from glutamine 347.
Molecular consequence: frameshift variant. On other transcripts: non-coding transcript variant (3).
Genome position (GRCh38, 1-based): chr19:45,363,823-45,363,824, CA duplicated on the plus strand (TG on the coding strand, the reverse complement: ERCC2 is on the minus strand); duplicating any 2 consecutive bases within chr19:45,363,823-45,363,827 gives the same sequence; the c. name uses the placement nearest the transcript's 3' end. VCF-style (leftmost placement, unchanged base first): chr19-45363822-G-GCA. GRCh37 (hg19) VCF-style: chr19-45867080-G-GCA.
Other names: c.965_966dup, p.Gln323fs (NM_001130867.2, NM_001440355.1); c.959_960dup, p.Gln321fs (NM_001440356.1); c.914_915dup, p.Gln306fs (NM_001440357.1); short protein forms Q306fs, Q321fs, Q323fs, Q347fs.
Identifiers: ClinVar variation 5013738 (VCV005013738.1).